The following is an entry in ClinVar:

ClinVar aggregate classification (germline): Pathogenic (1 of 4 stars; one submission).

Conditions:
Familial thoracic aortic aneurysm and aortic dissection (TAAD). Also called: Thoracic aortic aneurysms and dissections. Identifiers: Orphanet 91387, MedGen C4707243, MONDO:0019625.
Marfan syndrome (MFS). Also called: MARFAN SYNDROME, TYPE I; Marfan syndrome type 1; Marfan's syndrome; Marfan syndrome, classic; FBN1-Related Marfan Syndrome. Identifiers: Orphanet 284963, Orphanet 558, MedGen C0024796, MONDO:0007947, OMIM 154700.

Submission:

Labcorp Genetics (formerly Invitae), Labcorp
Classification: Pathogenic for Marfan syndrome; Familial thoracic aortic aneurysm and aortic dissection. Last evaluated: 2022-04-26. Review status: criteria provided, single submitter. Criteria: Invitae Variant Classification Sherloc (09022015). Collection method: clinical testing. Allele origin: germline.
Comment: This sequence change creates a premature translational stop signal (p.Gly1845*) in the FBN1 gene. It is expected to result in an absent or disrupted protein product. Loss-of-function variants in FBN1 are known to be pathogenic (PMID: 17657824, 19293843). This variant is not present in population databases (gnomAD no frequency). This premature translational stop signal has been observed in individual(s) with Marfan syndrome (PMID: 27906200). For these reasons, this variant has been classified as Pathogenic.

Literature cited by the submitters: PubMed 17657824; PubMed 19293843; PubMed 27906200.

NM_000138.5(FBN1):c.5533G>T (p.Gly1845Ter)

Gene: FBN1 (fibrillin 1; minus strand). Cytogenetic location: 15q21.1.
Variant type: single nucleotide variant.
Coding change: c.5533G>T on transcript NM_000138.5 (MANE Select); coding-DNA position 5533, G replaced by T.
Protein change: p.Gly1845Ter; replaces glycine 1845 with a stop codon.
Molecular consequence: nonsense.
Genome position (GRCh38, 1-based): chr15:48,452,574, C>A on the plus strand (G>T on the coding strand, the complement: FBN1 is on the minus strand). VCF-style: chr15-48452574-C-A. GRCh37 (hg19) VCF-style: chr15-48744771-C-A.
Other names: c.5533G>T, p.Gly1845Ter (NM_001406716.1); short protein forms G1845*.
Identifiers: ClinVar variation 2137687 (VCV002137687.4), dbSNP rs753858988, ClinGen allele CA392343906.
Genomic context (GRCh38, chr15:48,452,574, plus strand): 5'-AAGACAAACTCTTGGGTAGGCATGTCCAGCCTGTGGGGCACTACATACCATTGCACTGTC[C>A]TGTGGAGGTGAAGCGGTAGCCGGGCTTACAGTCACAGCGGTAGCTGCCTGCAGTGTTGAT-3'